The following is an entry in ClinVar:

NM_001272071.2(AP1S2):c.68C>G (p.Ser23Ter)

Gene: AP1S2 (adaptor related protein complex 1 subunit sigma 2; minus strand). Cytogenetic location: Xp22.2.
Variant type: single nucleotide variant.
Coding change: c.68C>G on transcript NM_001272071.2 (MANE Select); coding-DNA position 68, C replaced by G.
Protein change: p.Ser23Ter; replaces serine 23 with a stop codon.
Molecular consequence: nonsense. On other transcripts: non-coding transcript variant (2).
Genome position (GRCh38, 1-based): chrX:15,852,457, G>C on the plus strand (C>G on the coding strand, the complement: AP1S2 is on the minus strand). VCF-style: chrX-15852457-G-C. GRCh37 (hg19) VCF-style: chrX-15870580-G-C.
Other names: c.68C>G, p.Ser23Ter (NM_001368994.1, NM_001369007.1, NM_001369008.1 and 1 more transcripts); short protein forms S23*.
Identifiers: ClinVar variation 1756051 (VCV001756051.2), dbSNP rs2519929717, ClinGen allele CA412459443.

ClinVar aggregate classification (germline): Pathogenic (1 of 4 stars; one submission).

Conditions:
Inborn genetic diseases. Identifiers: MedGen C0950123, MeSH D030342.

Submission:

Ambry Genetics
Classification: Pathogenic for Inborn genetic diseases. Last evaluated: 2018-09-16. Review status: criteria provided, single submitter. Criteria: Ambry Variant Classification Scheme 2023. Collection method: clinical testing. Allele origin: germline.
Comment: The p.S23* pathogenic mutation (also known as c.68C>G), located in coding exon 1 of the AP1S2 gene, results from a C to G substitution at nucleotide position 68. This changes the amino acid from a serine to a stop codon within coding exon 1. This alteration is expected to result in loss of function by premature protein truncation or nonsense-mediated mRNA decay. As such, this alteration is interpreted as a disease-causing mutation.